The following is an entry in ClinVar:

ClinVar aggregate classification (germline): Likely benign (1 of 4 stars; one submission).

Conditions:
Familial hypercholesterolemia. Also called: Familial hypercholesterolemias; Familial hypercholesterolaemia. Identifiers: MedGen C0020445, MONDO:0005439.

Allele frequency attached by ClinVar (database versions not stated): gnomAD exomes 0.00005; ExAC 0.00007.
gnomAD v4.1: 21 of 1,613,982 alleles (0.0013%); highest among the groups gnomAD compares: South Asian, 0.021%; 1 homozygote.

Submission:

GENinCode PLC
Classification: Likely benign for Familial hypercholesterolemia. Last evaluated: 2026-01-30. Review status: criteria provided, single submitter. Criteria: ACMG Guidelines, 2015. Collection method: clinical testing. Allele origin: germline.
Comment: This is a synonymous (silent) variant that is not predicted to impact splicing and occurs at a nucleotide which is not highly conserved. This variant has been classified as Likely Benign (BP4, BP7).

NM_000384.3(APOB):c.7110G>A (p.Leu2370=)

Gene: APOB (apolipoprotein B; minus strand). Cytogenetic location: 2p24.1.
Variant type: single nucleotide variant.
Coding change: c.7110G>A on transcript NM_000384.3 (MANE Select); coding-DNA position 7110, G replaced by A.
Protein change: p.Leu2370=; no amino-acid change (leucine 2370 retained).
Molecular consequence: synonymous variant.
Genome position (GRCh38, 1-based): chr2:21,009,758, C>T on the plus strand (G>A on the coding strand, the complement: APOB is on the minus strand). VCF-style: chr2-21009758-C-T. GRCh37 (hg19) VCF-style: chr2-21232630-C-T.
Identifiers: ClinVar variation 4888248 (VCV004888248.1), dbSNP rs755657242.
Genomic context (GRCh38, chr2:21,009,758, plus strand): 5'-AAAGTAATCTTTTATCTTAACTTGTTGTAGGACATTGCTTAGCTTCTGAATAGTCTCCTT[C>T]AACTTGTATTGGTGGGCCAACTCTACTAATTTATCCATTAAAACCTGGATTTGTTGGTCT-3'
Protein context (NP_000375.3, residues 2360-2380): KLVELAHQYK[Leu2370=]KETIQKLSNV